The following is an entry in ClinVar:

ClinVar aggregate classification (germline): Uncertain significance (1 of 4 stars; one submission).

Conditions:
Combined immunodeficiency due to DOCK8 deficiency (HIES2). Also called: HIES autosomal recessive; DOCK8 Deficiency; Hyper-IgE recurrent infection syndrome, autosomal recessive; HYPER-IgE RECURRENT INFECTION SYNDROME 2, AUTOSOMAL RECESSIVE; HYPER-IgE SYNDROME 2, AUTOSOMAL RECESSIVE, WITH RECURRENT INFECTIONS. Identifiers: Orphanet 217390, MedGen C4722305, MONDO:0009478, OMIM 243700.

Allele frequency attached by ClinVar (database versions not stated): gnomAD exomes below 0.00001.
gnomAD v4.1: 2 of 1,613,960 alleles (0.00012%); highest among the groups gnomAD compares: African/African-American, 0.0013%; no homozygotes.

Submission:

Labcorp Genetics (formerly Invitae), Labcorp
Classification: Uncertain significance for Combined immunodeficiency due to DOCK8 deficiency. Last evaluated: 2024-12-24. Review status: criteria provided, single submitter. Criteria: Invitae Variant Classification Sherloc (09022015). Collection method: clinical testing. Allele origin: germline.
Comment: This sequence change replaces alanine, which is neutral and non-polar, with glycine, which is neutral and non-polar, at codon 1225 of the DOCK8 protein (p.Ala1225Gly). This variant is not present in population databases (gnomAD no frequency). This variant has not been reported in the literature in individuals affected with DOCK8-related conditions. ClinVar contains an entry for this variant (Variation ID: 861957). Invitae Evidence Modeling of protein sequence and biophysical properties (such as structural, functional, and spatial information, amino acid conservation, physicochemical variation, residue mobility, and thermodynamic stability) has been performed for this missense variant. However, the output from this modeling did not meet the statistical confidence thresholds required to predict the impact of this variant on DOCK8 protein function. In summary, the available evidence is currently insufficient to determine the role of this variant in disease. Therefore, it has been classified as a Variant of Uncertain Significance.

NM_203447.4(DOCK8):c.3674C>G (p.Ala1225Gly)

Gene: DOCK8 (dedicator of cytokinesis 8; plus strand). Cytogenetic location: 9p24.3.
Variant type: single nucleotide variant.
Coding change: c.3674C>G on transcript NM_203447.4 (MANE Select); coding-DNA position 3674, C replaced by G.
Protein change: p.Ala1225Gly; replaces alanine 1225 with glycine.
Molecular consequence: missense variant.
Genome position (GRCh38, 1-based): chr9:414,925, C>G. VCF-style: chr9-414925-C-G. GRCh37 (hg19) VCF-style: chr9-414925-C-G.
Other names: c.3374C>G, p.Ala1125Gly (NM_001190458.2); c.3470C>G, p.Ala1157Gly (NM_001193536.2); short protein forms A1125G, A1225G, A1157G.
Identifiers: ClinVar variation 861957 (VCV000861957.14), dbSNP rs2055919118, ClinGen allele CA372761062.